The following is an entry in ClinVar:

NM_001378452.1(ITPR1):c.5980-6T>C

Gene: ITPR1 (inositol 1,4,5-trisphosphate receptor type 1; plus strand). Cytogenetic location: 3p26.1.
Variant type: single nucleotide variant.
Coding change: c.5980-6T>C on transcript NM_001378452.1 (MANE Select); 6 bases into the intron before coding-DNA position 5980, T replaced by C.
Molecular consequence: intron variant.
Genome position (GRCh38, 1-based): chr3:4,775,236, T>C. VCF-style: chr3-4775236-T-C. GRCh37 (hg19) VCF-style: chr3-4816920-T-C.
Other names: c.5836-6T>C (NM_001099952.4); c.5935-6T>C (NM_001168272.2); c.5791-6T>C (NM_002222.7).
Identifiers: ClinVar variation 2637436 (VCV002637436.2), dbSNP rs2470062825, ClinGen allele CA2664219670.

ClinVar aggregate classification (germline): Conflicting classifications of pathogenicity. Review status: criteria provided, conflicting classifications (1 of 4 stars). 2 submissions from 2 submitters: Uncertain significance (1); Likely benign (1). Last evaluated 2024-01-09.

Allele frequency attached by ClinVar (database versions not stated): gnomAD exomes 0.00001.
gnomAD v4.1: 7 of 1,611,728 alleles (0.00043%); highest among the groups gnomAD compares: Non-Finnish European, 0.00059%; no homozygotes.

Submissions (2):

Blueprint Genetics
Classification: Likely benign. Last evaluated: 2024-01-09. Review status: criteria provided, single submitter. Criteria: ACMG Guidelines, 2015. Collection method: clinical testing. Allele origin: germline.

Women's Health and Genetics/Laboratory Corporation of America, LabCorp
Classification: Uncertain significance. Last evaluated: 2023-10-24. Review status: criteria provided, single submitter. Criteria: LabCorp Variant Classification Summary - May 2015. Collection method: clinical testing. Allele origin: germline.
Comment: Variant summary: ITPR1 c.5791-6T>C alters a non-conserved nucleotide located close to a canonical splice site and therefore could affect mRNA splicing, leading to a significantly altered protein sequence. Consensus agreement among computation tools predict no significant impact on normal splicing. However, these predictions have yet to be confirmed by functional studies. The variant was absent in 249248 control chromosomes. The available data on variant occurrences in the general population are insufficient to allow any conclusion about variant significance. To our knowledge, no occurrence of c.5791-6T>C in individuals affected with Spinocerebellar Ataxia 29 and no experimental evidence demonstrating its impact on protein function have been reported. No submitters have cited clinical-significance assessments for this variant to ClinVar after 2014. Based on the evidence outlined above, the variant was classified as uncertain significance.